The following is an entry in ClinVar:

ClinVar aggregate classification (germline): Likely pathogenic (1 of 4 stars; one submission).

Submission:

Labcorp Genetics (formerly Invitae), Labcorp
Classification: Likely pathogenic. Last evaluated: 2023-07-25. Review status: criteria provided, single submitter. Criteria: Invitae Variant Classification Sherloc (09022015). Collection method: clinical testing. Allele origin: germline.
Comment: In summary, the currently available evidence indicates that the variant is pathogenic, but additional data are needed to prove that conclusively. Therefore, this variant has been classified as Likely Pathogenic. This variant disrupts the p.Arg138 amino acid residue in CYP11B1. Other variant(s) that disrupt this residue have been determined to be pathogenic (PMID: 23940125, 26053152, 33275286, 34718183). This suggests that this residue is clinically significant, and that variants that disrupt this residue are likely to be disease-causing. This sequence change replaces arginine, which is basic and polar, with glycine, which is neutral and non-polar, at codon 138 of the CYP11B1 protein (p.Arg138Gly). This variant is not present in population databases (gnomAD no frequency). This variant has not been reported in the literature in individuals affected with CYP11B1-related conditions. Advanced modeling of protein sequence and biophysical properties (such as structural, functional, and spatial information, amino acid conservation, physicochemical variation, residue mobility, and thermodynamic stability) performed at Invitae indicates that this missense variant is expected to disrupt CYP11B1 protein function.

Literature cited by the submitters: PubMed 23940125; PubMed 26053152; PubMed 33275286; PubMed 34718183.

NM_000497.4(CYP11B1):c.412C>G (p.Arg138Gly)

Genes: CYP11B1 (cytochrome P450 family 11 subfamily B member 1; minus strand), LOC106799833 (CYP11B1 recombination region; plus strand). Cytogenetic location: 8q24.3.
Variant type: single nucleotide variant.
Coding change: c.412C>G on transcript NM_000497.4 (MANE Select); coding-DNA position 412, C replaced by G.
Protein change: p.Arg138Gly; replaces arginine 138 with glycine.
Molecular consequence: missense variant.
Genome position (GRCh38, 1-based): chr8:142,877,206, G>C on the plus strand (C>G on the coding strand, the complement: CYP11B1 is on the minus strand). VCF-style: chr8-142877206-G-C. GRCh37 (hg19) VCF-style: chr8-143958622-G-C.
Other names: c.412C>G, p.Arg138Gly (NM_001026213.1); short protein forms R138G.
Identifiers: ClinVar variation 2746491 (VCV002746491.3), dbSNP rs764251434, ClinGen allele CA372396203.